The following is an entry in ClinVar:

NM_007294.4(BRCA1):c.2340G>A (p.Gln780=)

Gene: BRCA1 (BRCA1 DNA repair associated; minus strand). Cytogenetic location: 17q21.31.
Variant type: single nucleotide variant.
Coding change: c.2340G>A on transcript NM_007294.4 (MANE Select); coding-DNA position 2340, G replaced by A.
Protein change: p.Gln780=; no amino-acid change (glutamine 780 retained).
Molecular consequence: synonymous variant. On other transcripts: intron variant (137).
Genome position (GRCh38, 1-based): chr17:43,093,191, C>T on the plus strand (G>A on the coding strand, the complement: BRCA1 is on the minus strand). VCF-style: chr17-43093191-C-T. GRCh37 (hg19) VCF-style: chr17-41245208-C-T.
Other names: c.2127G>A, p.Gln709= (NM_001407571.1, NM_001407853.1, NM_001407894.1 and 9 more transcripts); c.2340G>A, p.Gln780= (NM_001407581.1, NM_001407582.1, NM_001407583.1 and 30 more transcripts); c.2337G>A, p.Gln779= (NM_001407587.1, NM_001407590.1, NM_001407591.1 and 22 more transcripts); c.2331G>A, p.Gln777= (NM_001407646.1, NM_001407647.1); c.2217G>A, p.Gln739= (NM_001407648.1, NM_001407664.1, NM_001407665.1 and 19 more transcripts); c.2214G>A, p.Gln738= (NM_001407649.1, NM_001407670.1, NM_001407671.1 and 11 more transcripts); c.2262G>A, p.Gln754= (NM_001407653.1, NM_001407654.1, NM_001407655.1 and 4 more transcripts); c.2259G>A, p.Gln753= (NM_001407659.1, NM_001407660.1, NM_001407661.1 and 1 more transcripts); and 41 more.
Identifiers: ClinVar variation 479265 (VCV000479265.17), dbSNP rs1555589856, ClinGen allele CA500233031.
Genomic context (GRCh38, chr17:43,093,191, plus strand): 5'-TTTATTTGGTTCTGTTTTTGCCTTCCCTAGAGTGCTAACTTCCAGTAACGAGATACTTTC[C>T]TGAGTGCCATAATCAGTACCAGGTACCAATGAAATACTGCTACTCTCTACAGATCTTTCA-3'
Protein context (NP_009225.1, residues 770-790): SLVPGTDYGT[Gln780=]ESISLLEVST

ClinVar aggregate classification (germline): Likely benign. Review status: criteria provided, multiple submitters, no conflicts (2 of 4 stars). 6 submissions from 6 submitters: Likely benign (6). Last evaluated 2025-02-06.

Conditions:
Hereditary cancer-predisposing syndrome. Also called: Tumor predisposition; Hereditary Cancer Syndrome; Hereditary neoplastic syndrome; Neoplastic Syndromes, Hereditary. Identifiers: Orphanet 140162, MedGen C0027672, MeSH D009386, MONDO:0015356.
Hereditary breast ovarian cancer syndrome. Also called: Breast and ovarian cancer; Hereditary breast and/or ovarian cancer syndrome; BRCA1- and BRCA2-Associated Hereditary Breast and Ovarian Cancer; Hereditary breast and ovarian cancer syndrome; Hereditary breast and ovarian cancer syndrome (HBOC); Hereditary breast and ovarian cancer. Identifiers: Orphanet 145, MedGen C0677776, MeSH D061325, MONDO:0003582. Disease mechanism: loss of function.
Breast-ovarian cancer, familial, susceptibility to, 1 (BROVCA1). Also called: BRCA1 Hereditary Breast and Ovarian Cancer; OVARIAN CANCER, SUSCEPTIBILITY TO. Identifiers: Orphanet 145, MedGen C2676676, MONDO:0011450, OMIM 604370. Disease mechanism: loss of function.

Allele frequency attached by ClinVar (database versions not stated): gnomAD exomes 0.00001.
gnomAD v4.1: 8 of 1,613,872 alleles (0.0005%); highest among the groups gnomAD compares: Non-Finnish European, 0.00068%; no homozygotes.

Submissions (6):

Labcorp Genetics (formerly Invitae), Labcorp
Classification: Likely benign for Hereditary breast ovarian cancer syndrome. Last evaluated: 2025-02-06. Review status: criteria provided, single submitter. Criteria: Invitae Variant Classification Sherloc (09022015). Collection method: clinical testing. Allele origin: germline.

All of Us Research Program, National Institutes of Health
Classification: Likely benign for Breast-ovarian cancer, familial, susceptibility to, 1. Last evaluated: 2023-07-22. Review status: criteria provided, single submitter. Criteria: ACMG Guidelines, 2015. Collection method: clinical testing. Allele origin: germline. Inheritance: Autosomal dominant inheritance. Observed: 1 variant allele, 1 heterozygote.
Comment: This study involves interpretation of variants in research participants for the purpose of population health screening. Participant phenotype was not available at the time of variant classification. Additional details can be found in publication PMID: 35346344, PMCID: PMC8962531

Sema4
Classification: Likely benign for Hereditary cancer-predisposing syndrome. Last evaluated: 2022-02-24. Review status: criteria provided, single submitter. Criteria: Sema4 Curation Guidelines. Collection method: curation. Allele origin: germline.

Women's Health and Genetics/Laboratory Corporation of America, LabCorp
Classification: Likely benign. Last evaluated: 2021-04-23. Review status: criteria provided, single submitter. Criteria: LabCorp Variant Classification Summary - May 2015. Collection method: clinical testing. Allele origin: germline.

Color Diagnostics, LLC DBA Color Health
Classification: Likely benign for Hereditary cancer-predisposing syndrome. Last evaluated: 2017-10-02. Review status: criteria provided, single submitter. Criteria: ACMG Guidelines, 2015. Collection method: clinical testing. Allele origin: germline.

Ambry Genetics
Classification: Likely benign for Hereditary cancer-predisposing syndrome. Last evaluated: 2017-06-28. Review status: criteria provided, single submitter. Criteria: Ambry Variant Classification Scheme 2023. Collection method: clinical testing. Allele origin: germline.